The following is an entry in ClinVar:

ClinVar aggregate classification (germline): Likely benign. Review status: criteria provided, multiple submitters, no conflicts (2 of 4 stars). 2 submissions from 2 submitters: Likely benign (2). Last evaluated 2024-12-01.

Allele frequency attached by ClinVar (database versions not stated): gnomAD 0.00001; ExAC 0.00002.

Submissions (2):

CeGaT Center for Human Genetics Tuebingen
Classification: Likely benign. Last evaluated: 2024-12-01. Review status: criteria provided, single submitter. Criteria: CeGaT Center For Human Genetics Tuebingen Variant Classification Criteria Version 2. Collection method: clinical testing. Allele origin: germline. Affected: yes. Observed: 2 variant alleles.
Comment: NOTCH2: BP4, BP7

Women's Health and Genetics/Laboratory Corporation of America, LabCorp
Classification: Likely benign. Last evaluated: 2024-11-08. Review status: criteria provided, single submitter. Criteria: LabCorp Variant Classification Summary - May 2015. Collection method: clinical testing. Allele origin: germline.

NM_024408.4(NOTCH2):c.516A>G (p.Thr172=)

Gene: NOTCH2 (notch receptor 2; minus strand). Cytogenetic location: 1p12.
Variant type: single nucleotide variant.
Coding change: c.516A>G on transcript NM_024408.4 (MANE Select); coding-DNA position 516, A replaced by G.
Protein change: p.Thr172=; no amino-acid change (threonine 172 retained).
Molecular consequence: synonymous variant.
Genome position (GRCh38, 1-based): chr1:119,997,232, T>C on the plus strand (A>G on the coding strand, the complement: NOTCH2 is on the minus strand). VCF-style: chr1-119997232-T-C. GRCh37 (hg19) VCF-style: chr1-120539855-T-C.
Other names: c.516A>G, p.Thr172= (NM_001200001.2).
Identifiers: ClinVar variation 2639053 (VCV002639053.25), dbSNP rs782770232, ClinGen allele CA1040827.